The following is an entry in ClinVar:

ClinVar aggregate classification (germline): Uncertain significance (1 of 4 stars; one submission).

Conditions:
Beckwith-Wiedemann syndrome (BWS). Also called: EMG SYNDROME; Exomphalos macroglossia gigantism syndrome. Identifiers: Orphanet 116, MedGen C0004903, MONDO:0007534, OMIM 130650.

Submission:

Labcorp Genetics (formerly Invitae), Labcorp
Classification: Uncertain significance for Beckwith-Wiedemann syndrome. Last evaluated: 2022-06-23. Review status: criteria provided, single submitter. Criteria: Invitae Variant Classification Sherloc (09022015). Collection method: clinical testing. Allele origin: germline.
Comment: In summary, the available evidence is currently insufficient to determine the role of this variant in disease. Therefore, it has been classified as a Variant of Uncertain Significance. Algorithms developed to predict the effect of missense changes on protein structure and function are either unavailable or do not agree on the potential impact of this missense change (SIFT: "Tolerated"; PolyPhen-2: "Not Available"; Align-GVGD: "Class C0"). This variant has not been reported in the literature in individuals affected with CDKN1C-related conditions. This variant is not present in population databases (gnomAD no frequency). This sequence change replaces alanine, which is neutral and non-polar, with threonine, which is neutral and polar, at codon 219 of the CDKN1C protein (p.Ala219Thr).

NM_001122630.2(CDKN1C):c.622G>A (p.Ala208Thr)

Gene: CDKN1C (cyclin dependent kinase inhibitor 1C; minus strand). Cytogenetic location: 11p15.4.
Variant type: single nucleotide variant.
Coding change: c.622G>A on transcript NM_001122630.2 (MANE Select); coding-DNA position 622, G replaced by A.
Protein change: p.Ala208Thr; replaces alanine 208 with threonine.
Molecular consequence: missense variant. On other transcripts: intron variant (1).
Genome position (GRCh38, 1-based): chr11:2,884,835, C>T on the plus strand (G>A on the coding strand, the complement: CDKN1C is on the minus strand). VCF-style: chr11-2884835-C-T. GRCh37 (hg19) VCF-style: chr11-2906065-C-T.
Other names: c.655G>A, p.Ala219Thr (NM_000076.2, NM_001362474.2); c.622G>A, p.Ala208Thr (NM_001122631.2); c.255+367G>A (NM_001362475.2); short protein forms A219T, A208T.
Identifiers: ClinVar variation 1357618 (VCV001357618.8), dbSNP rs2133782778, ClinGen allele CA379146063.